The following is an entry in ClinVar:

NM_001024630.4(RUNX2):c.1322G>T (p.Ser441Ile)

Gene: RUNX2 (RUNX family transcription factor 2; plus strand). Cytogenetic location: 6p21.1.
Variant type: single nucleotide variant.
Coding change: c.1322G>T on transcript NM_001024630.4 (MANE Select); coding-DNA position 1322, G replaced by T.
Protein change: p.Ser441Ile; replaces serine 441 with isoleucine.
Molecular consequence: missense variant.
Genome position (GRCh38, 1-based): chr6:45,547,061, G>T. VCF-style: chr6-45547061-G-T. GRCh37 (hg19) VCF-style: chr6-45514798-G-T.
Other names: c.1256G>T, p.Ser419Ile (NM_001015051.4); c.1214G>T, p.Ser405Ile (NM_001278478.2); c.1280G>T, p.Ser427Ile (NM_001369405.1); short protein forms S405I, S419I, S427I, S441I.
Identifiers: ClinVar variation 3682134 (VCV003682134.2).

ClinVar aggregate classification (germline): Uncertain significance (1 of 4 stars; one submission).

Submission:

Labcorp Genetics (formerly Invitae), Labcorp
Classification: Uncertain significance. Last evaluated: 2024-08-12. Review status: criteria provided, single submitter. Criteria: Invitae Variant Classification Sherloc (09022015). Collection method: clinical testing. Allele origin: germline.
Comment: This sequence change replaces serine, which is neutral and polar, with isoleucine, which is neutral and non-polar, at codon 441 of the RUNX2 protein (p.Ser441Ile). This variant is not present in population databases (gnomAD no frequency). This variant has not been reported in the literature in individuals affected with RUNX2-related conditions. Advanced modeling of protein sequence and biophysical properties (such as structural, functional, and spatial information, amino acid conservation, physicochemical variation, residue mobility, and thermodynamic stability) has been performed at Invitae for this missense variant, however the output from this modeling did not meet the statistical confidence thresholds required to predict the impact of this variant on RUNX2 protein function. In summary, the available evidence is currently insufficient to determine the role of this variant in disease. Therefore, it has been classified as a Variant of Uncertain Significance.